The following is an entry in ClinVar:

ClinVar aggregate classification (germline): Uncertain significance (1 of 4 stars; one submission).

Allele frequency attached by ClinVar (database versions not stated): gnomAD 0.00001.

Submission:

Labcorp Genetics (formerly Invitae), Labcorp
Classification: Uncertain significance. Last evaluated: 2025-11-10. Review status: criteria provided, single submitter. Criteria: Invitae Variant Classification Sherloc (09022015). Collection method: clinical testing. Allele origin: germline.
Comment: This sequence change replaces leucine, which is neutral and non-polar, with arginine, which is basic and polar, at codon 35 of the SORL1 protein (p.Leu35Arg). This variant is not present in population databases (gnomAD no frequency). This variant has not been reported in the literature in individuals affected with SORL1-related conditions. ClinVar contains an entry for this variant (Variation ID: 1921695). An algorithm developed to predict the effect of missense changes on protein structure and function (PolyPhen-2) suggests that this variant is likely to be tolerated. In summary, the available evidence is currently insufficient to determine the role of this variant in disease. Therefore, it has been classified as a Variant of Uncertain Significance.

NM_003105.6(SORL1):c.104T>G (p.Leu35Arg)

Genes: SORL1-AS1 (SORL1 antisense RNA 1; minus strand), SORL1 (sortilin related receptor 1; plus strand). Cytogenetic location: 11q24.1.
Variant type: single nucleotide variant.
Coding change: c.104T>G on transcript NM_003105.6 (MANE Select); coding-DNA position 104, T replaced by G.
Protein change: p.Leu35Arg; replaces leucine 35 with arginine.
Molecular consequence: missense variant.
Genome position (GRCh38, 1-based): chr11:121,452,435, T>G. VCF-style: chr11-121452435-T-G. GRCh37 (hg19) VCF-style: chr11-121323144-T-G.
Other names: short protein forms L35R.
Identifiers: ClinVar variation 1921695 (VCV001921695.5), dbSNP rs755601132, ClinGen allele CA6328280.